The following is an entry in ClinVar:

NM_033641.4(COL4A6):c.2537C>A (p.Thr846Lys)

Gene: COL4A6 (collagen type IV alpha 6 chain; minus strand). Cytogenetic location: Xq22.3.
Variant type: single nucleotide variant.
Coding change: c.2537C>A on transcript NM_033641.4 (MANE Select); coding-DNA position 2537, C replaced by A.
Protein change: p.Thr846Lys; replaces threonine 846 with lysine.
Molecular consequence: missense variant.
Genome position (GRCh38, 1-based): chrX:108,176,990, G>T on the plus strand (C>A on the coding strand, the complement: COL4A6 is on the minus strand). VCF-style: chrX-108176990-G-T. GRCh37 (hg19) VCF-style: chrX-107420220-G-T.
Other names: c.2588C>A, p.Thr863Lys (NM_001287758.2); c.2537C>A, p.Thr846Lys (NM_001287759.2, NM_001287760.2); c.2540C>A, p.Thr847Lys (NM_001847.4); short protein forms T846K, T847K, T863K.
Identifiers: ClinVar variation 3347960 (VCV003347960.2).

ClinVar aggregate classification (germline): Uncertain significance (1 of 4 stars; one submission).

Conditions:
COL4A6-related disorder. Also called: COL4A6-related condition.

gnomAD v4.1: 3 of 1,209,596 alleles (0.00025%); highest among the groups gnomAD compares: Admixed American, 0.0022%; no homozygotes.

Submission:

PreventionGenetics, part of Exact Sciences
Classification: Uncertain significance for COL4A6-related condition. Last evaluated: 2025-08-08. Review status: criteria provided, single submitter. Criteria: ACMG Guidelines, 2015. Collection method: clinical testing. Allele origin: germline.
Comment: The COL4A6 c.2540C>A variant is predicted to result in the amino acid substitution p.Thr847Lys. To our knowledge, this variant has not been reported in the literature or in gnomAD, indicating this variant is rare. At this time, the clinical significance of this variant is uncertain due to the absence of conclusive functional and genetic evidence.